The following is an entry in ClinVar:

ClinVar aggregate classification (germline): Uncertain significance. Review status: criteria provided, multiple submitters, no conflicts (2 of 4 stars). 5 submissions from 5 submitters: Uncertain significance (5). Last evaluated 2024-10-19.

Conditions:
Achondrogenesis type II (ACG2). Also called: CHONDROGENESIS IMPERFECTA; ACHONDROGENESIS, LANGER-SALDINO TYPE. Identifiers: Orphanet 932, Orphanet 93296, MedGen C0220685, MONDO:0008702, OMIM 200610.
Multiple epiphyseal dysplasia, Beighton type. Identifiers: Orphanet 166011, MedGen C1851536, MONDO:0007562, OMIM 132450.
Legg-Calve-Perthes disease. Also called: PERTHES DISEASE; Avascular necrosis of the capital femoral epiphysis; Osteochondritis deformans; Coxa plana. Identifiers: Orphanet 2380, MedGen C1442965, MONDO:0007885, OMIM 150600, HP:0005743.
Spondyloperipheral dysplasia. Also called: SPONDYLOPERIPHERAL DYSPLASIA WITH SHORT ULNA; Spondyloperipheral dysplasia-short ulna syndrome. Identifiers: Orphanet 1856, MedGen C0796173, MONDO:0010078, OMIM 271700.
Stickler syndrome type 1 (STL1). Also called: STICKLER SYNDROME, MEMBRANOUS VITREOUS TYPE; STICKLER SYNDROME, VITREOUS TYPE 1; COL2A1-Related Stickler Syndrome; ARTHROOPHTHALMOPATHY, HEREDITARY PROGRESSIVE. Identifiers: Orphanet 828, Orphanet 90653, MedGen C2020284, MONDO:0007160, OMIM 108300.
Platyspondylic dysplasia, Torrance type (PLSDT). Identifiers: Orphanet 85166, MedGen C1835437, MONDO:0007895, OMIM 151210.
Spondyloepiphyseal dysplasia congenita (SEDC). Also called: SED CONGENITA; SPONDYLOEPIPHYSEAL DYSPLASIA, CONGENITAL TYPE. Identifiers: Orphanet 94068, MedGen C2745959, MONDO:0008471, OMIM 183900.
Spondyloepimetaphyseal dysplasia, Strudwick type (SEMDSTWK). Also called: STRUDWICK SYNDROME; DAPPLED METAPHYSIS SYNDROME. Identifiers: Orphanet 93346, MedGen C0700635, MONDO:0008476, OMIM 184250.
Namaqualand hip dysplasia (OSCDP). Also called: Mild spondyloepiphyseal dysplasia due to COL2A1 mutation with early-onset osteoarthritis. Identifiers: Orphanet 93279, MedGen C0432214, MONDO:0011496, OMIM 604864.
Stickler syndrome, type I, nonsyndromic ocular. Also called: STICKLER SYNDROME, TYPE I, PREDOMINANTLY OCULAR; STICKLER SYNDROME, ATYPICAL. Identifiers: MedGen C1836080, MONDO:0012287, OMIM 609508.
Vitreoretinopathy with phalangeal epiphyseal dysplasia (VPED). Identifiers: MedGen C1852989, MONDO:0031001, OMIM 619248.
Spondyloepiphyseal dysplasia, Stanescu type. Also called: SED, STANESCU TYPE; SPONDYLOEPIMETAPHYSEAL DYSPLASIA, STANESCU TYPE. Identifiers: Orphanet 459051, MedGen C4225273, MONDO:0014701, OMIM 616583.
Avascular necrosis of femoral head, primary, 1 (ANFH1). Also called: Avascular necrosis of femoral head, primary. Identifiers: Orphanet 86820, MedGen C4551562, MONDO:0054550, OMIM 608805.
Spondyloepiphyseal dysplasia with metatarsal shortening. Also called: Pseudorheumatoid dysplasia progressive, with hypoplastic toes; CZECH DYSPLASIA, METATARSAL TYPE; SPONDYLOEPIPHYSEAL DYSPLASIA WITH PRECOCIOUS OSTEOARTHRITIS. Identifiers: Orphanet 137678, MedGen C1836683, MONDO:0012206, OMIM 609162.
Kniest dysplasia. Identifiers: Orphanet 485, MedGen C0265279, MONDO:0007987, OMIM 156550.

Allele frequency attached by ClinVar (database versions not stated): gnomAD exomes below 0.00001 and 0.00001; gnomAD 0.00001.
gnomAD v4.1: 8 of 1,613,538 alleles (0.0005%); highest among the groups gnomAD compares: East Asian, 0.0022%; no homozygotes.

Submissions (5):

Dasa
Classification: Uncertain significance. Last evaluated: 2024-10-19. Review status: criteria provided, single submitter. Criteria: DASA Assertion Criteria. Collection method: clinical testing. Allele origin: germline.
Comment: NM_001844.5(COL2A1):c.725G>A (p.Arg242His) is a missense variant that results in the substitution of arginine with histidine. This variant is rare in population databases. The currently available literature and clinical evidence are not sufficient to establish a definitive association between this variant and the reported condition. Therefore, this variant is classified as a variant of uncertain significance.

Blueprint Genetics
Classification: Uncertain significance. Last evaluated: 2024-08-30. Review status: criteria provided, single submitter. Criteria: ACMG Guidelines, 2015. Collection method: clinical testing. Allele origin: germline.

Labcorp Genetics (formerly Invitae), Labcorp
Classification: Uncertain significance. Last evaluated: 2023-07-18. Review status: criteria provided, single submitter. Criteria: Invitae Variant Classification Sherloc (09022015). Collection method: clinical testing. Allele origin: germline.
Comment: In summary, the available evidence is currently insufficient to determine the role of this variant in disease. Therefore, it has been classified as a Variant of Uncertain Significance. Advanced modeling of protein sequence and biophysical properties (such as structural, functional, and spatial information, amino acid conservation, physicochemical variation, residue mobility, and thermodynamic stability) has been performed at Invitae for this missense variant, however the output from this modeling did not meet the statistical confidence thresholds required to predict the impact of this variant on COL2A1 protein function. ClinVar contains an entry for this variant (Variation ID: 1378135). This variant has not been reported in the literature in individuals affected with COL2A1-related conditions. This variant is present in population databases (no rsID available, gnomAD 0.003%). This sequence change replaces arginine, which is basic and polar, with histidine, which is basic and polar, at codon 242 of the COL2A1 protein (p.Arg242His).

Breakthrough Genomics
Classification: Uncertain significance. Review status: criteria provided, single submitter. Criteria: ACMG Guidelines, 2015. Collection method: not provided. Allele origin: germline. Inheritance: Autosomal dominant inheritance. Affected: yes.

Juno Genomics, Hangzhou Juno Genomics, Inc
Classification: Uncertain significance for Multiple epiphyseal dysplasia, Beighton type; Vitreoretinopathy with phalangeal epiphyseal dysplasia; Achondrogenesis type II; Avascular necrosis of femoral head, primary, 1; Spondyloepiphyseal dysplasia with metatarsal shortening; Kniest dysplasia; Legg-Calve-Perthes disease; Namaqualand hip dysplasia; Platyspondylic dysplasia, Torrance type; Spondyloepiphyseal dysplasia congenita; Spondyloepimetaphyseal dysplasia, Strudwick type; Spondyloepiphyseal dysplasia, Stanescu type; Spondyloperipheral dysplasia; Stickler syndrome, type I, nonsyndromic ocular; Stickler syndrome type 1. Review status: criteria provided, single submitter. Criteria: ACMG Guidelines, 2015. Collection method: clinical testing. Allele origin: germline. Affected: yes.
Comment: Absent from controls (or at extremely low frequency if recessive) in Genome Aggregation Database, Exome Sequencing Project, 1000 Genomes Project, or Exome Aggregation Consortium.;Missense variant in a gene that has a low rate of benign missense variation and where missense variants are a common mechanism of disease.

NM_001844.5(COL2A1):c.725G>A (p.Arg242His)

Gene: COL2A1 (collagen type II alpha 1 chain; minus strand). Cytogenetic location: 12q13.11.
Variant type: single nucleotide variant.
Coding change: c.725G>A on transcript NM_001844.5 (MANE Select); coding-DNA position 725, G replaced by A.
Protein change: p.Arg242His; replaces arginine 242 with histidine.
Molecular consequence: missense variant.
Genome position (GRCh38, 1-based): chr12:47,995,292, C>T on the plus strand (G>A on the coding strand, the complement: COL2A1 is on the minus strand). VCF-style: chr12-47995292-C-T. GRCh37 (hg19) VCF-style: chr12-48389075-C-T.
Other names: c.518G>A, p.Arg173His (NM_033150.3); short protein forms R242H, R173H.
Identifiers: ClinVar variation 1378135 (VCV001378135.12), dbSNP rs1023703904, ClinGen allele CA236491449.